The following is an entry in ClinVar:

NM_018263.6(ASXL2):c.2936C>G (p.Thr979Arg)

Gene: ASXL2 (ASXL transcriptional regulator 2; minus strand). Cytogenetic location: 2p23.3.
Variant type: single nucleotide variant.
Coding change: c.2936C>G on transcript NM_018263.6 (MANE Select); coding-DNA position 2936, C replaced by G.
Protein change: p.Thr979Arg; replaces threonine 979 with arginine.
Molecular consequence: missense variant.
Genome position (GRCh38, 1-based): chr2:25,743,401, G>C on the plus strand (C>G on the coding strand, the complement: ASXL2 is on the minus strand). VCF-style: chr2-25743401-G-C. GRCh37 (hg19) VCF-style: chr2-25966270-G-C.
Other names: c.2762C>G, p.Thr921Arg (NM_001369346.1); c.2156C>G, p.Thr719Arg (NM_001369347.1); short protein forms T719R, T921R, T979R.
Identifiers: ClinVar variation 3680005 (VCV003680005.2).

ClinVar aggregate classification (germline): Uncertain significance (1 of 4 stars; one submission).

gnomAD v4.1: 3 of 1,613,912 alleles (0.00019%); highest among the groups gnomAD compares: Admixed American, 0.0033%; no homozygotes.

Submission:

Labcorp Genetics (formerly Invitae), Labcorp
Classification: Uncertain significance. Last evaluated: 2024-07-31. Review status: criteria provided, single submitter. Criteria: Invitae Variant Classification Sherloc (09022015). Collection method: clinical testing. Allele origin: germline.
Comment: This sequence change replaces threonine, which is neutral and polar, with arginine, which is basic and polar, at codon 979 of the ASXL2 protein (p.Thr979Arg). This variant is present in population databases (no rsID available, gnomAD 0.006%). This variant has not been reported in the literature in individuals affected with ASXL2-related conditions. Advanced modeling of protein sequence and biophysical properties (such as structural, functional, and spatial information, amino acid conservation, physicochemical variation, residue mobility, and thermodynamic stability) performed at Invitae indicates that this missense variant is not expected to disrupt ASXL2 protein function with a negative predictive value of 80%. In summary, the available evidence is currently insufficient to determine the role of this variant in disease. Therefore, it has been classified as a Variant of Uncertain Significance.